The following is an entry in ClinVar:

NM_025114.4(CEP290):c.1190-8C>G

Gene: CEP290 (centrosomal protein 290; minus strand). Cytogenetic location: 12q21.32.
Variant type: single nucleotide variant.
Coding change: c.1190-8C>G on transcript NM_025114.4 (MANE Select); 8 bases into the intron before coding-DNA position 1190, C replaced by G.
Molecular consequence: intron variant.
Genome position (GRCh38, 1-based): chr12:88,121,174, G>C on the plus strand (C>G on the coding strand, the complement: CEP290 is on the minus strand). VCF-style: chr12-88121174-G-C. GRCh37 (hg19) VCF-style: chr12-88514951-G-C.
Identifiers: ClinVar variation 1413033 (VCV001413033.6), dbSNP rs764602507, ClinGen allele CA2573149049.

ClinVar aggregate classification (germline): Uncertain significance (1 of 4 stars; one submission).

Conditions:
Joubert syndrome. Also called: CEREBELLOPARENCHYMAL DISORDER IV; JOUBERT-BOLTSHAUSER SYNDROME; Familial aplasia of the vermis. Identifiers: Orphanet 475, MedGen C5979921, MONDO:0018772.
Nephronophthisis. Also called: Juvenile Nephronophthisis. Identifiers: Orphanet 655, MedGen C0687120, MONDO:0019005, HP:0000090.
Meckel-Gruber syndrome. Also called: DYSENCEPHALIA SPLANCHNOCYSTICA; GRUBER SYNDROME; Dysencephalia splachnocystica. Identifiers: Orphanet 564, MedGen C0265215, MONDO:0018921.

gnomAD v4.1: 1 of 1,600,078 alleles (0.000062%); highest among the groups gnomAD compares: Non-Finnish European, 0.000085%; no homozygotes.

Submission:

Labcorp Genetics (formerly Invitae), Labcorp
Classification: Uncertain significance for Joubert syndrome; Meckel-Gruber syndrome; Nephronophthisis. Last evaluated: 2022-11-15. Review status: criteria provided, single submitter. Criteria: Invitae Variant Classification Sherloc (09022015). Collection method: clinical testing. Allele origin: germline.
Comment: In summary, the available evidence is currently insufficient to determine the role of this variant in disease. Therefore, it has been classified as a Variant of Uncertain Significance. Algorithms developed to predict the effect of sequence changes on RNA splicing suggest that this variant may disrupt the consensus splice site. ClinVar contains an entry for this variant (Variation ID: 1413033). This variant has not been reported in the literature in individuals affected with CEP290-related conditions. This variant is not present in population databases (gnomAD no frequency). This sequence change falls in intron 13 of the CEP290 gene. It does not directly change the encoded amino acid sequence of the CEP290 protein.